The following is an entry in ClinVar:

NM_001378454.1(ALMS1):c.3722dup (p.His1241fs)

Gene: ALMS1 (ALMS1 centrosome and basal body associated protein; plus strand). Cytogenetic location: 2p13.1.
Variant type: Duplication.
Coding change: c.3722dup on transcript NM_001378454.1 (MANE Select); coding-DNA position 3722, one base duplicated (A; older notation c.3722dupA).
Protein change: p.His1241fs; shifts the reading frame from histidine 1241.
Molecular consequence: frameshift variant.
Genome position (GRCh38, 1-based): chr2:73,450,249, A duplicated. VCF-style (leftmost placement, unchanged base first): chr2-73450248-C-CA. GRCh37 (hg19) VCF-style: chr2-73677375-C-CA.
Other names: c.3725dup, p.His1242fs (NM_015120.4); short protein forms H1241fs, H1242fs.
Identifiers: ClinVar variation 4856823 (VCV004856823.2).

ClinVar aggregate classification (germline): Likely pathogenic (1 of 4 stars; one submission).

Submission:

Dasa
Classification: Likely pathogenic. Last evaluated: 2024-07-03. Review status: criteria provided, single submitter. Criteria: DASA Assertion Criteria. Collection method: clinical testing. Allele origin: germline.
Comment: NM_001378454.1(ALMS1):c.3722dup (p.His1241Glnfs*16) is a frameshift variant in ALMS1 predicted to alter the reading frame and introduce a premature termination codon and is predicted to result in an absent or altered protein product. Loss of function is an established disease mechanism for ALMS1-associated disorders. Also, this variant is absent from population databases. Based on the currently available evidence, this variant is classified as likely pathogenic.